The following is an entry in ClinVar:

ClinVar aggregate classification (germline): Uncertain significance (0 of 4 stars; one submission).

Conditions:
PLXNA3-related disorder. Also called: PLXNA3-related condition.

gnomAD v4.1: 2 of 1,210,870 alleles (0.00017%); highest among the groups gnomAD compares: African/African-American, 0.0017%; no homozygotes.

Submission:

PreventionGenetics, part of Exact Sciences
Classification: Uncertain significance for PLXNA3-related condition. Last evaluated: 2024-07-03. Review status: no assertion criteria provided. Collection method: clinical testing. Allele origin: germline.
Comment: The PLXNA3 c.3755C>T variant is predicted to result in the amino acid substitution p.Thr1252Ile. To our knowledge, this variant has not been reported in the literature. This variant is reported in 0.0076% of alleles in individuals of African descent in gnomAD. At this time, the clinical significance of this variant is uncertain due to the absence of conclusive functional and genetic evidence.

NM_017514.5(PLXNA3):c.3755C>T (p.Thr1252Ile)

Gene: PLXNA3 (plexin A3; plus strand). Cytogenetic location: Xq28.
Variant type: single nucleotide variant.
Coding change: c.3755C>T on transcript NM_017514.5 (MANE Select); coding-DNA position 3755, C replaced by T.
Protein change: p.Thr1252Ile; replaces threonine 1252 with isoleucine.
Molecular consequence: missense variant.
Genome position (GRCh38, 1-based): chrX:154,467,936, C>T. VCF-style: chrX-154467936-C-T. GRCh37 (hg19) VCF-style: chrX-153696279-C-T.
Other names: short protein forms T1252I.
Identifiers: ClinVar variation 3346336 (VCV003346336.1).